The following is an entry in ClinVar:

NM_004168.4(SDHA):c.607A>G (p.Thr203Ala)

Gene: SDHA (succinate dehydrogenase complex flavoprotein subunit A; plus strand). Cytogenetic location: 5p15.33.
Variant type: single nucleotide variant.
Coding change: c.607A>G on transcript NM_004168.4 (MANE Select); coding-DNA position 607, A replaced by G.
Protein change: p.Thr203Ala; replaces threonine 203 with alanine.
Molecular consequence: missense variant.
Genome position (GRCh38, 1-based): chr5:226,033, A>G. VCF-style: chr5-226033-A-G. GRCh37 (hg19) VCF-style: chr5-226148-A-G.
Other names: c.463A>G, p.Thr155Ala (NM_001294332.2); c.607A>G, p.Thr203Ala (NM_001330758.2); short protein forms T203A, T155A.
Identifiers: ClinVar variation 412349 (VCV000412349.21), dbSNP rs373340696, ClinGen allele CA3172890.

ClinVar aggregate classification (germline): Uncertain significance. Review status: criteria provided, multiple submitters, no conflicts (2 of 4 stars). 7 submissions from 7 submitters: Uncertain significance (7). Last evaluated 2026-08-06.

Conditions:
Mitochondrial complex II deficiency, nuclear type 1. Also called: SUCCINATE CoQ REDUCTASE DEFICIENCY. Identifiers: Orphanet 3208, MedGen C5700310, MONDO:0100294, OMIM 252011.
Pheochromocytoma/paraganglioma syndrome 5. Also called: Paragangliomas 5; SDHA-Related Hereditary Paraganglioma-Pheochromocytoma Syndrome. Identifiers: Orphanet 29072, MedGen C3279992, MONDO:0013602, OMIM 614165.
Neurodegeneration with ataxia and late-onset optic atrophy. Identifiers: MedGen C5543254, MONDO:0031006, OMIM 619259.
Dilated cardiomyopathy 1GG (CMD1GG). Identifiers: Orphanet 154, MedGen C3150898, MONDO:0013339, OMIM 613642.
SDHA-related disorder. Also called: SDHA-related disorders; SDHA-related condition.
Hereditary cancer-predisposing syndrome. Also called: Neoplastic Syndromes, Hereditary; Tumor predisposition; Hereditary Cancer Syndrome; Hereditary neoplastic syndrome. Identifiers: Orphanet 140162, MedGen C0027672, MeSH D009386, MONDO:0015356.

Allele frequency attached by ClinVar (database versions not stated): gnomAD exomes 0.00002 and 0.00003; gnomAD 0.00003; ExAC 0.00004; TOPMed 0.00005; ESP Exome Variant Server 0.00015.
gnomAD v4.1: 47 of 1,614,058 alleles (0.0029%); highest among the groups gnomAD compares: Non-Finnish European, 0.0039%; no homozygotes.

Submissions (7):

PreventionGenetics, part of Exact Sciences
Classification: Uncertain significance for SDHA-related condition. Last evaluated: 2026-08-06. Review status: criteria provided, single submitter. Criteria: ACMG Guidelines, 2015. Collection method: clinical testing. Allele origin: germline.
Comment: The SDHA c.607A>G variant is predicted to result in the amino acid substitution p.Thr203Ala. To our knowledge, this variant has not been reported in the literature. This variant is reported in 0.0054% of alleles in individuals of European (Non-Finnish) descent in gnomAD. This variant is interpreted as uncertain in ClinVar (Variation ID: 412349). At this time, the clinical significance of this variant is uncertain due to the absence of conclusive functional and genetic evidence.

Women's Health and Genetics/Laboratory Corporation of America, LabCorp
Classification: Uncertain significance. Last evaluated: 2026-06-16. Review status: criteria provided, single submitter. Criteria: LabCorp Variant Classification Summary - May 2015. Collection method: clinical testing. Allele origin: germline.
Comment: Variant summary: SDHA c.607A>G (p.Thr203Ala) results in a non-conservative amino acid change in the encoded protein sequence. Algorithms developed to predict the effect of missense changes on protein structure and function are either unavailable or do not agree on the potential impact of this missense change. The variant allele was found at a frequency of 2.4e-05 in 251328 control chromosomes. The available data on variant occurrences in the general population are insufficient to allow any conclusion about variant significance. To our knowledge, no occurrence of c.607A>G in individuals affected with SDHA-related conditions and no experimental evidence demonstrating its impact on protein function have been reported. ClinVar contains an entry for this variant (Variation ID: 412349). Based on the evidence outlined above, the variant was classified as uncertain significance.

GeneDx
Classification: Uncertain significance. Last evaluated: 2026-04-02. Review status: criteria provided, single submitter. Criteria: GeneDx Variant Classification Process June 2021. Collection method: clinical testing. Allele origin: germline.
Comment: Has not been previously published as pathogenic or benign to our knowledge; Not observed at significant frequency in large population cohorts (gnomAD); In silico analysis supports that this missense variant has a deleterious effect on protein structure/function

Labcorp Genetics (formerly Invitae), Labcorp
Classification: Uncertain significance for Pheochromocytoma/paraganglioma syndrome 5; Mitochondrial complex II deficiency, nuclear type 1. Last evaluated: 2026-01-19. Review status: criteria provided, single submitter. Criteria: Invitae Variant Classification Sherloc (09022015). Collection method: clinical testing. Allele origin: germline.
Comment: This sequence change replaces threonine, which is neutral and polar, with alanine, which is neutral and non-polar, at codon 203 of the SDHA protein (p.Thr203Ala). The frequency data for this variant in the population databases is considered unreliable, as metrics indicate poor data quality at this position in the gnomAD database. This variant has not been reported in the literature in individuals affected with SDHA-related conditions. ClinVar contains an entry for this variant (Variation ID: 412349). Invitae Evidence Modeling of protein sequence and biophysical properties (such as structural, functional, and spatial information, amino acid conservation, physicochemical variation, residue mobility, and thermodynamic stability) indicates that this missense variant is not expected to disrupt SDHA protein function with a negative predictive value of 95%. In summary, the available evidence is currently insufficient to determine the role of this variant in disease. Therefore, it has been classified as a Variant of Uncertain Significance.

Ambry Genetics
Classification: Uncertain significance for Hereditary cancer-predisposing syndrome. Last evaluated: 2025-11-25. Review status: criteria provided, single submitter. Criteria: Ambry Variant Classification Scheme 2023. Collection method: clinical testing. Allele origin: germline.
Comment: The p.T203A variant (also known as c.607A>G), located in coding exon 5 of the SDHA gene, results from an A to G substitution at nucleotide position 607. The threonine at codon 203 is replaced by alanine, an amino acid with similar properties. This amino acid position is highly conserved in available vertebrate species. In addition, the in silico prediction for this alteration is inconclusive. Since supporting evidence is limited at this time, the clinical significance of this alteration remains unclear.

Baylor Genetics
Classification: Uncertain significance for Dilated cardiomyopathy 1GG. Last evaluated: 2023-12-07. Review status: criteria provided, single submitter. Criteria: ACMG Guidelines, 2015. Collection method: clinical testing. Allele origin: unknown.

Fulgent Genetics
Classification: Uncertain significance for Mitochondrial complex II deficiency, nuclear type 1; Dilated cardiomyopathy 1GG; Pheochromocytoma/paraganglioma syndrome 5; Neurodegeneration with ataxia and late-onset optic atrophy. Last evaluated: 2021-08-09. Review status: criteria provided, single submitter. Criteria: ACMG Guidelines, 2015. Collection method: clinical testing. Allele origin: unknown.